The following is an entry in ClinVar:

ClinVar aggregate classification (germline): Pathogenic. Review status: reviewed by expert panel (3 of 4 stars). 2 submissions from 2 submitters: Pathogenic (1). 1 of the submissions does not count toward it. Last evaluated 2024-03-26.

Conditions:
Hereditary thrombocytopenia and hematologic cancer predisposition syndrome. Identifiers: Orphanet 71290, MedGen CN281654, MONDO:0011071.

Submissions (2):

ClinGen Myeloid Malignancy Variant Curation Expert Panel
Classification: Pathogenic for Hereditary thrombocytopenia and hematologic cancer predisposition syndrome. Last evaluated: 2024-03-26. Review status: reviewed by expert panel. Criteria: ClinGen MyeloMalig ACMG Specifications v2. Collection method: curation. Allele origin: germline. Inheritance: Autosomal dominant inheritance.
Comment: The NM_001754.4:c.501del (p.Ser167fs) variant is a frameshift variant that is predicted to introduce a premature stop codon and expected to result in nonsense-mediated mRNA decay (PVS1). This variant is completely absent from all population databases with at least 20x coverage for RUNX1 (PM2_supporting). This variant is a nonsense/frameshift variants that is downstream of c.98 (PM5_Supporting). The variant has not been reported in patients with familial platelet disorder with predisposition to hematologic malignancies in the literature, to the best of our knowledge; however one unpublished proband meeting at least one of the RUNX1 phenotype criteria is noted (PS4_Supporting; SCV000807785.1). In summary, this variant meets criteria to be classified as pathogenic. ACMG/AMP criteria applied, as specified by the Myeloid Malignancy Variant Curation Expert Panel for RUNX1: PVS1, PM2_supporting, PM5_supporting, PS4_Supporting.

PreventionGenetics, part of Exact Sciences
Classification: Likely pathogenic. Last evaluated: 2018-04-18. Review status: criteria provided, single submitter. Criteria: ACMG Guidelines, 2015. Collection method: clinical testing. Allele origin: germline. Not counted in ClinVar's aggregate classification.

NM_001754.5(RUNX1):c.501del (p.Ser167fs)

Genes: RUNX1 (RUNX family transcription factor 1; minus strand), RUNX1-AS1 (RUNX1 antisense RNA 1; plus strand). Cytogenetic location: 21q22.12.
Variant type: Deletion.
Coding change: c.501del on transcript NM_001754.5 (MANE Select); coding-DNA position 501, one base deleted (T; older notation c.501delT).
Protein change: p.Ser167fs; shifts the reading frame from serine 167.
Molecular consequence: frameshift variant.
Genome position (GRCh38, 1-based): chr21:34,880,564, A deleted on the plus strand (T on the coding strand, the reverse complement: RUNX1 is on the minus strand). VCF-style (leftmost placement, unchanged base first): chr21-34880563-CA-C. GRCh37 (hg19) VCF-style: chr21-36252860-CA-C.
Other names: NM_001754.5(RUNX1):c.501del; c.501del (NM_001754.4); c.420del, p.Ser140fs (NM_001001890.3, NM_001122607.2); c.501delT (NM_001754.4); short protein forms S167fs, S140fs.
Identifiers: ClinVar variation 561242 (VCV000561242.4), dbSNP rs1569078799, ClinGen allele CA658824418.